The following is an entry in ClinVar:

ClinVar aggregate classification (germline): Uncertain significance (1 of 4 stars; one submission).

Submission:

GeneDx
Classification: Uncertain significance. Last evaluated: 2024-11-11. Review status: criteria provided, single submitter. Criteria: GeneDx Variant Classification Process June 2021. Collection method: clinical testing. Allele origin: germline. Affected: yes.
Comment: Not observed at significant frequency in large population cohorts (gnomAD); In silico analysis indicates that this missense variant does not alter protein structure/function; Has not been previously published as pathogenic or benign to our knowledge; This substitution is predicted to be within the C-terminal cytoplasmic domain

NM_001330260.2(SCN8A):c.5779A>G (p.Asn1927Asp)

Gene: SCN8A (sodium voltage-gated channel alpha subunit 8; plus strand). Cytogenetic location: 12q13.13.
Variant type: single nucleotide variant.
Coding change: c.5779A>G on transcript NM_001330260.2 (MANE Select); coding-DNA position 5779, A replaced by G.
Protein change: p.Asn1927Asp; replaces asparagine 1927 with aspartic acid.
Molecular consequence: missense variant.
Genome position (GRCh38, 1-based): chr12:51,807,265, A>G. VCF-style: chr12-51807265-A-G. GRCh37 (hg19) VCF-style: chr12-52201049-A-G.
Other names: c.5656A>G, p.Asn1886Asp (NM_001369788.1, NM_001177984.3); c.5779A>G, p.Asn1927Asp (NM_014191.4); short protein forms N1886D, N1927D.
Identifiers: ClinVar variation 3899207 (VCV003899207.1).